The following is an entry in ClinVar:

NM_020971.3(SPTBN4):c.3927C>G (p.His1309Gln)

Gene: SPTBN4 (spectrin beta, non-erythrocytic 4; plus strand). Cytogenetic location: 19q13.2.
Variant type: single nucleotide variant.
Coding change: c.3927C>G on transcript NM_020971.3 (MANE Select); coding-DNA position 3927, C replaced by G.
Protein change: p.His1309Gln; replaces histidine 1309 with glutamine.
Molecular consequence: missense variant.
Genome position (GRCh38, 1-based): chr19:40,529,110, C>G. VCF-style: chr19-40529110-C-G. GRCh37 (hg19) VCF-style: chr19-41035017-C-G.
Other names: c.3927C>G (NM_020971.2); short protein forms H1309Q.
Identifiers: ClinVar variation 1176380 (VCV001176380.41), dbSNP rs140544038, ClinGen allele CA9446135.

ClinVar aggregate classification (germline): Uncertain significance. Review status: criteria provided, multiple submitters, no conflicts (2 of 4 stars). 4 submissions from 4 submitters: Uncertain significance (3). 1 of the submissions does not count toward it. Last evaluated 2026-03-24.

Conditions:
SPTBN4-related disorder. Also called: SPTBN4-related condition.

Allele frequency attached by ClinVar (database versions not stated): gnomAD exomes 0.00077 and 0.00145; ExAC 0.00083; gnomAD 0.00101 and 0.00106; TOPMed 0.00101; ESP Exome Variant Server 0.00154.
gnomAD v4.1: 2,275 of 1,613,972 alleles (0.14%); highest among the groups gnomAD compares: Non-Finnish European, 0.18%; 2 homozygotes.

Submissions (4):

GeneDx
Classification: Uncertain significance. Last evaluated: 2026-03-24. Review status: criteria provided, single submitter. Criteria: GeneDx Variant Classification Process June 2021. Collection method: clinical testing. Allele origin: germline.
Comment: In silico analysis suggests that this missense variant does not alter protein structure/function; Has not been previously published as pathogenic or benign to our knowledge

CeGaT Center for Human Genetics Tuebingen
Classification: Uncertain significance. Last evaluated: 2024-06-01. Review status: criteria provided, single submitter. Criteria: CeGaT Center For Human Genetics Tuebingen Variant Classification Criteria Version 2. Collection method: clinical testing. Allele origin: germline. Affected: yes. Observed: 2 variant alleles.
Comment: SPTBN4: PP2, BP4

AiLife Diagnostics
Classification: Uncertain significance. Last evaluated: 2020-07-21. Review status: criteria provided, single submitter. Criteria: ACMG Guidelines, 2015. Collection method: clinical testing. Allele origin: germline. Affected: yes. Observed: 1 variant allele.

PreventionGenetics, part of Exact Sciences
Classification: Likely benign for SPTBN4-related condition. Last evaluated: 2023-02-21. Review status: no assertion criteria provided. Collection method: clinical testing. Allele origin: germline. Not counted in ClinVar's aggregate classification.
Comment: This variant is classified as likely benign based on ACMG/AMP sequence variant interpretation guidelines (Richards et al. 2015 PMID: 25741868, with internal and published modifications).